The following is an entry in ClinVar:

ClinVar aggregate classification (germline): Uncertain significance (1 of 4 stars; one submission).

Conditions:
Adams-Oliver syndrome 4 (AOS4). Identifiers: Orphanet 974, MedGen C3809092, MONDO:0014124, OMIM 615297.

Submission:

Labcorp Genetics (formerly Invitae), Labcorp
Classification: Uncertain significance for Adams-Oliver syndrome 4. Last evaluated: 2022-02-20. Review status: criteria provided, single submitter. Criteria: Invitae Variant Classification Sherloc (09022015). Collection method: clinical testing. Allele origin: germline.
Comment: In summary, the available evidence is currently insufficient to determine the role of this variant in disease. Therefore, it has been classified as a Variant of Uncertain Significance. Experimental studies and prediction algorithms are not available or were not evaluated, and the functional significance of this variant is currently unknown. This variant has not been reported in the literature in individuals affected with EOGT-related conditions. This variant results in a copy number gain of the genomic region encompassing exon(s) 4 of the EOGT gene. This region includes the initiator codon of the gene. This copy number gain extends beyond the assayed region for this gene and therefore may encompass additional genes. As the precise location of this event is unknown, it may be in tandem or it may be located elsewhere in the genome.

NC_000003.11:g.(?_69058768)_(69058997_?)dup

Gene: EOGT (EGF domain specific O-linked N-acetylglucosamine transferase; minus strand). Cytogenetic location: 3p14.1.
Variant type: Duplication.
Identifiers: ClinVar variation 2427509 (VCV002427509.4).